The following is an entry in ClinVar:

ClinVar aggregate classification (germline): Conflicting classifications of pathogenicity. Review status: criteria provided, conflicting classifications (1 of 4 stars). 3 submissions from 3 submitters: Uncertain significance (2); Likely benign (1). Last evaluated 2025-05-26.

Conditions:
Basal ganglia calcification, idiopathic, 6 (PFBC6). Also called: PRIMARY FAMILIAL BRAIN CALCIFICATION 6, AUTOSOMAL DOMINANT. Identifiers: Orphanet 1980, MedGen C4225335, MONDO:0014628, OMIM 616413.
Inborn genetic diseases. Identifiers: MedGen C0950123, MeSH D030342.

Allele frequency attached by ClinVar (database versions not stated): TOPMed 0.00004; ExAC 0.00007; 1000 Genomes Project 30x 0.00031; gnomAD 0.00010; 1000 Genomes Project 0.00020.
gnomAD v4.1: 210 of 1,614,116 alleles (0.013%); highest among the groups gnomAD compares: East Asian, 0.082%; 1 homozygote.

Submissions (3):

Ambry Genetics
Classification: Likely benign for Inborn genetic diseases. Last evaluated: 2025-05-26. Review status: criteria provided, single submitter. Criteria: Ambry Variant Classification Scheme 2023. Collection method: clinical testing. Allele origin: germline.

Fulgent Genetics
Classification: Uncertain significance for Basal ganglia calcification, idiopathic, 6. Last evaluated: 2024-01-04. Review status: criteria provided, single submitter. Criteria: ACMG Guidelines, 2015. Collection method: clinical testing. Allele origin: germline.

Labcorp Genetics (formerly Invitae), Labcorp
Classification: Uncertain significance. Last evaluated: 2023-10-14. Review status: criteria provided, single submitter. Criteria: Invitae Variant Classification Sherloc (09022015). Collection method: clinical testing. Allele origin: germline.
Comment: This sequence change replaces arginine, which is basic and polar, with histidine, which is basic and polar, at codon 655 of the XPR1 protein (p.Arg655His). This variant is present in population databases (rs560099680, gnomAD 0.05%), and has an allele count higher than expected for a pathogenic variant. This variant has not been reported in the literature in individuals affected with XPR1-related conditions. ClinVar contains an entry for this variant (Variation ID: 2053888). An algorithm developed to predict the effect of missense changes on protein structure and function (PolyPhen-2) suggests that this variant is likely to be disruptive. In summary, the available evidence is currently insufficient to determine the role of this variant in disease. Therefore, it has been classified as a Variant of Uncertain Significance.

NM_004736.4(XPR1):c.1964G>A (p.Arg655His)

Gene: XPR1 (xenotropic and polytropic retrovirus receptor 1; plus strand). Cytogenetic location: 1q25.3.
Variant type: single nucleotide variant.
Coding change: c.1964G>A on transcript NM_004736.4 (MANE Select); coding-DNA position 1964, G replaced by A.
Protein change: p.Arg655His; replaces arginine 655 with histidine.
Molecular consequence: missense variant. On other transcripts: non-coding transcript variant (1).
Genome position (GRCh38, 1-based): chr1:180,880,231, G>A. VCF-style: chr1-180880231-G-A. GRCh37 (hg19) VCF-style: chr1-180849367-G-A.
Other names: c.1769G>A, p.Arg590His (NM_001135669.2); c.1964G>A (NM_004736.3); short protein forms R655H, R590H.
Identifiers: ClinVar variation 2053888 (VCV002053888.6), dbSNP rs560099680, ClinGen allele CA1272871.